The following is an entry in ClinVar:

ClinVar aggregate classification (germline): Conflicting classifications of pathogenicity. Review status: criteria provided, conflicting classifications (1 of 4 stars). 10 submissions from 10 submitters: Uncertain significance (1); Likely benign (9). Last evaluated 2026-04-07.

Conditions:
Cardiovascular phenotype. Identifiers: MedGen CN230736.
PKP2-related disorder. Also called: PKP2-related condition.
Arrhythmogenic right ventricular cardiomyopathy (ARVD). Also called: Arrhythmogenic cardiomyopathy; Cardiomyopathy, ARVC; Arrhythmogenic right ventricular dysplasia; Arrhythmogenic Right Ventricular Cardiomyopathy (ARVC). Identifiers: Orphanet 247, MedGen C0349788, MeSH D019571, MONDO:0016587. Disease mechanism: loss of function. Inheritance: Various modes of inheritance.
Cardiomyopathy (CMYO). Also called: Cardiomyopathies. Identifiers: Orphanet 167848, MedGen C0878544, MONDO:0004994, HP:0001638. Inheritance: Various modes of inheritance.
Arrhythmogenic right ventricular dysplasia 9 (ARVD9). Also called: ARRHYTHMOGENIC RIGHT VENTRICULAR DYSPLASIA, FAMILIAL, 9; Arrhythmogenic Right Ventricular Dysplasia/Cardiomyopathy 9. Identifiers: MedGen C1836906, MONDO:0012180, OMIM 609040.

Allele frequency attached by ClinVar (database versions not stated): TOPMed 0.00004; ExAC 0.00006; gnomAD 0.00008; gnomAD exomes 0.00008.
gnomAD v4.1: 76 of 982,852 alleles (0.0077%); highest among the groups gnomAD compares: Non-Finnish European, 0.011%; no homozygotes.

Submissions (10):

PreventionGenetics, part of Exact Sciences
Classification: Likely benign for PKP2-related condition. Last evaluated: 2026-04-07. Review status: criteria provided, single submitter. Criteria: ACMG Guidelines, 2015. Collection method: clinical testing. Allele origin: germline.
Comment: This variant is classified as likely benign based on ACMG/AMP sequence variant interpretation guidelines (Richards et al. 2015 PMID: 25741868, with internal and published modifications).

Labcorp Genetics (formerly Invitae), Labcorp
Classification: Likely benign for Arrhythmogenic right ventricular dysplasia 9. Last evaluated: 2026-01-11. Review status: criteria provided, single submitter. Criteria: Invitae Variant Classification Sherloc (09022015). Collection method: clinical testing. Allele origin: germline.

Molecular Diagnostic Laboratory for Inherited Cardiovascular Disease, Montreal Heart Institute
Classification: Likely benign. Last evaluated: 2025-04-09. Review status: criteria provided, single submitter. Criteria: ACMG Guidelines, 2015. Collection method: clinical testing. Allele origin: germline. Affected: no.

All of Us Research Program, National Institutes of Health
Classification: Likely benign for Arrhythmogenic right ventricular cardiomyopathy. Last evaluated: 2024-02-05. Review status: criteria provided, single submitter. Criteria: ACMG Guidelines, 2015. Collection method: clinical testing. Allele origin: germline. Inheritance: Autosomal dominant inheritance. Observed: 17 variant alleles, 17 heterozygotes.
Comment: This study involves interpretation of variants in research participants for the purpose of population health screening. Participant phenotype was not available at the time of variant classification. Additional details can be found in publication PMID: 35346344, PMCID: PMC8962531

Ambry Genetics
Classification: Likely benign for Cardiovascular phenotype. Last evaluated: 2023-04-24. Review status: criteria provided, single submitter. Criteria: Ambry Variant Classification Scheme 2023. Collection method: clinical testing. Allele origin: germline.

Blueprint Genetics
Classification: Likely benign. Last evaluated: 2022-03-22. Review status: criteria provided, single submitter. Criteria: ACMG Guidelines, 2015. Collection method: clinical testing. Allele origin: germline.

Women's Health and Genetics/Laboratory Corporation of America, LabCorp
Classification: Likely benign. Last evaluated: 2020-03-21. Review status: criteria provided, single submitter. Criteria: LabCorp Variant Classification Summary - May 2015. Collection method: clinical testing. Allele origin: germline.

CeGaT Center for Human Genetics Tuebingen
Classification: Likely benign. Last evaluated: 2019-04-01. Review status: criteria provided, single submitter. Criteria: CeGaT Center For Human Genetics Tuebingen Variant Classification Criteria Version 2. Collection method: clinical testing. Allele origin: germline. Affected: yes. Observed: 1 variant allele.

Color Diagnostics, LLC DBA Color Health
Classification: Likely benign for Cardiomyopathy. Last evaluated: 2018-05-11. Review status: criteria provided, single submitter. Criteria: ACMG Guidelines, 2015. Collection method: clinical testing. Allele origin: germline.

Illumina Laboratory Services, Illumina
Classification: Uncertain significance for Arrhythmogenic right ventricular dysplasia 9. Last evaluated: 2018-01-12. Review status: criteria provided, single submitter. Criteria: ICSL Variant Classification Criteria 13 December 2019. Collection method: clinical testing. Allele origin: germline.

NM_001005242.3(PKP2):c.1379-2038T>C

Gene: PKP2 (plakophilin 2; minus strand). Cytogenetic location: 12p11.21.
Variant type: single nucleotide variant.
Coding change: c.1379-2038T>C on transcript NM_001005242.3 (MANE Select); 2038 bases into the intron before coding-DNA position 1379, T replaced by C.
Molecular consequence: intron variant. On other transcripts: synonymous variant (1).
Genome position (GRCh38, 1-based): chr12:32,843,243, A>G on the plus strand (T>C on the coding strand, the complement: PKP2 is on the minus strand). VCF-style: chr12-32843243-A-G. GRCh37 (hg19) VCF-style: chr12-32996177-A-G.
Other names: c.1449T>C, p.Thr483= (NM_004572.4).
Identifiers: ClinVar variation 239952 (VCV000239952.66), dbSNP rs781397552, ClinGen allele CA028370.